The following is an entry in ClinVar:

ClinVar aggregate classification (germline): Benign. Review status: criteria provided, multiple submitters, no conflicts (2 of 4 stars). 8 submissions from 8 submitters: Benign (7). 1 of the submissions does not count toward it. Last evaluated 2026-02-03.

Conditions:
Mitochondrial neurogastrointestinal encephalomyopathy. Also called: Mitochondrial neurogastrointestinal encephalopathy syndrome; MNGIE syndrome; Thymidine phosphorylase deficiency. Identifiers: Orphanet 298, MedGen C0872218, MONDO:0017575.
Mitochondrial DNA depletion syndrome 1. Also called: Mitochondrial DNA depletion syndrome 1 (MNGIE type); Mitochondrial neurogastrointestinal encephalomyopathy syndrome; Mitochondrial Neurogastrointestinal Encephalopathy Disease; MITOCHONDRIAL NEUROGASTROINTESTINAL ENCEPHALOPATHY SYNDROME, TYMP-RELATED; MNGIE, TYMP-RELATED; Mitochondrial DNA Depletion Syndrome, MNGIE Form. Identifiers: Orphanet 298, MedGen C4551995, MONDO:0011283, OMIM 603041.

Allele frequency attached by ClinVar (database versions not stated): gnomAD exomes 0.00160 and 0.00417; ExAC 0.00541; gnomAD 0.01631 and 0.01755; ESP Exome Variant Server 0.01785; TOPMed 0.01798; 1000 Genomes Project 0.01897; 1000 Genomes Project 30x 0.01968.
gnomAD v4.1: 4,933 of 1,612,760 alleles (0.31%); highest among the groups gnomAD compares: African/African-American, 5.9%; 138 homozygotes.

Submissions (8):

Labcorp Genetics (formerly Invitae), Labcorp
Classification: Benign. Last evaluated: 2026-02-03. Review status: criteria provided, single submitter. Criteria: Invitae Variant Classification Sherloc (09022015). Collection method: clinical testing. Allele origin: germline.

Athena Diagnostics
Classification: Benign. Last evaluated: 2019-04-30. Review status: criteria provided, single submitter. Criteria: Athena Diagnostics Criteria. Collection method: clinical testing. Allele origin: germline.

Illumina Laboratory Services, Illumina
Classification: Benign for Mitochondrial DNA depletion syndrome 1. Last evaluated: 2018-01-13. Review status: criteria provided, single submitter. Criteria: ICSL Variant Classification Criteria 13 December 2019. Collection method: clinical testing. Allele origin: germline.
Comment: This variant was observed in the ICSL laboratory as part of a predisposition screen in an ostensibly healthy population. It had not been previously curated by ICSL or reported in the Human Gene Mutation Database (HGMD: prior to June 1st, 2018), and was therefore a candidate for classification through an automated scoring system. Utilizing variant allele frequency, disease prevalence and penetrance estimates, and inheritance mode, an automated score was calculated to assess if this variant is too frequent to cause the disease. Based on the score and internal cut-off values, a variant classified as benign is not then subjected to further curation. The score for this variant resulted in a classification of benign for this disease.

Mayo Clinic Laboratories, Mayo Clinic
Classification: Benign. Last evaluated: 2018-01-10. Review status: criteria provided, single submitter. Criteria: ACMG Guidelines, 2015. Collection method: clinical testing. Allele origin: germline. Observed: 26 variant alleles.

GeneDx
Classification: Benign. Last evaluated: 2012-02-07. Review status: criteria provided, single submitter. Criteria: GeneDx Variant Classification (06012015). Collection method: clinical testing. Allele origin: germline. Affected: yes.
Comment: This variant is considered likely benign or benign based on one or more of the following criteria: it is a conservative change, it occurs at a poorly conserved position in the protein, it is predicted to be benign by multiple in silico algorithms, and/or has population frequency not consistent with disease.

Breakthrough Genomics
Classification: Benign. Review status: criteria provided, single submitter. Criteria: ACMG Guidelines, 2015. Collection method: not provided. Allele origin: germline. Inheritance: Autosomal recessive inheritance. Affected: yes.

PreventionGenetics, part of Exact Sciences
Classification: Benign. Review status: criteria provided, single submitter. Criteria: ACMG Guidelines, 2015. Collection method: clinical testing. Allele origin: germline.

Natera, Inc.
Classification: Benign for Mitochondrial neurogastrointestinal encephalomyopathy. Last evaluated: 2020-09-16. Review status: no assertion criteria provided. Collection method: clinical testing. Allele origin: germline. Not counted in ClinVar's aggregate classification.

NM_001953.5(TYMP):c.204C>T (p.Gly68=)

Gene: TYMP (thymidine phosphorylase; minus strand). Cytogenetic location: 22q13.33.
Variant type: single nucleotide variant.
Coding change: c.204C>T on transcript NM_001953.5 (MANE Select); coding-DNA position 204, C replaced by T.
Protein change: p.Gly68=; no amino-acid change (glycine 68 retained).
Molecular consequence: synonymous variant.
Genome position (GRCh38, 1-based): chr22:50,529,506, G>A on the plus strand (C>T on the coding strand, the complement: TYMP is on the minus strand). VCF-style: chr22-50529506-G-A. GRCh37 (hg19) VCF-style: chr22-50967935-G-A.
Other names: p.G68G:GGC>GGT; p.Gly68=; c.204C>T, p.Gly68= (LRG_727t2, LRG_727t1, NM_001113755.3 and 3 more transcripts).
Identifiers: ClinVar variation 137870 (VCV000137870.20), dbSNP rs34375653, ClinGen allele CA291557.
Genomic context (GRCh38, chr22:50,529,506, plus strand): 5'-CGGGCTGACCTCCCAGTCGGGGTCAGGAACGCCCAACCCTCCCCACGCACCGATCTGTGC[G>A]CCCTGCGCGCTCCCATTCACCACAGCGGCCACGAAGCCCCTGATGTCCGCTTCGCTCAGG-3'
Protein context (NP_001944.1, residues 58-78): VAAVVNGSAQ[Gly68=]AQIGAMLMAI